The following is an entry in ClinVar:

ClinVar aggregate classification (germline): Uncertain significance (1 of 4 stars; one submission).

Allele frequency attached by ClinVar (database versions not stated): gnomAD 0.00001; TOPMed 0.00002; gnomAD exomes 0.00003 and 0.00004; ExAC 0.00004.
gnomAD v4.1: 39 of 1,604,836 alleles (0.0024%); highest among the groups gnomAD compares: Non-Finnish European, 0.0031%; no homozygotes.

Submission:

Labcorp Genetics (formerly Invitae), Labcorp
Classification: Uncertain significance. Last evaluated: 2025-10-23. Review status: criteria provided, single submitter. Criteria: Invitae Variant Classification Sherloc (09022015). Collection method: clinical testing. Allele origin: germline.
Comment: This sequence change replaces serine, which is neutral and polar, with glycine, which is neutral and non-polar, at codon 282 of the ARHGEF1 protein (p.Ser282Gly). This variant is present in population databases (rs782666167, gnomAD 0.01%). This variant has not been reported in the literature in individuals affected with ARHGEF1-related conditions. ClinVar contains an entry for this variant (Variation ID: 1003529). An algorithm developed to predict the effect of missense changes on protein structure and function (PolyPhen-2) suggests that this variant is likely to be tolerated. In summary, the available evidence is currently insufficient to determine the role of this variant in disease. Therefore, it has been classified as a Variant of Uncertain Significance.

NM_004706.4(ARHGEF1):c.799A>G (p.Ser267Gly)

Gene: ARHGEF1 (Rho guanine nucleotide exchange factor 1; plus strand). Cytogenetic location: 19q13.2.
Variant type: single nucleotide variant.
Coding change: c.799A>G on transcript NM_004706.4 (MANE Select); coding-DNA position 799, A replaced by G.
Protein change: p.Ser267Gly; replaces serine 267 with glycine.
Molecular consequence: missense variant.
Genome position (GRCh38, 1-based): chr19:41,894,505, A>G. VCF-style: chr19-41894505-A-G. GRCh37 (hg19) VCF-style: chr19-42398578-A-G.
Other names: c.700A>G, p.Ser234Gly (NM_198977.2); c.844A>G, p.Ser282Gly (NM_199002.2); short protein forms S234G, S267G, S282G.
Identifiers: ClinVar variation 1003529 (VCV001003529.8), dbSNP rs782666167, ClinGen allele CA9466063.